The following is an entry in ClinVar:

NM_001211.6(BUB1B):c.686A>T (p.Glu229Val)

Gene: BUB1B (BUB1 mitotic checkpoint serine/threonine kinase B; plus strand). Cytogenetic location: 15q15.1.
Variant type: single nucleotide variant.
Coding change: c.686A>T on transcript NM_001211.6 (MANE Select); coding-DNA position 686, A replaced by T.
Protein change: p.Glu229Val; replaces glutamic acid 229 with valine.
Molecular consequence: missense variant.
Genome position (GRCh38, 1-based): chr15:40,183,818, A>T. VCF-style: chr15-40183818-A-T. GRCh37 (hg19) VCF-style: chr15-40476019-A-T.
Other names: short protein forms E229V.
Identifiers: ClinVar variation 3993679 (VCV003993679.1).

ClinVar aggregate classification (germline): Uncertain significance (1 of 4 stars; one submission).

Conditions:
Inborn genetic diseases. Identifiers: MedGen C0950123, MeSH D030342.

gnomAD v4.1: 1 of 1,614,160 alleles (0.000062%); highest among the groups gnomAD compares: Non-Finnish European, 0.000085%; no homozygotes.

Submission:

Ambry Genetics
Classification: Uncertain significance for Inborn genetic diseases. Last evaluated: 2025-03-30. Review status: criteria provided, single submitter. Criteria: Ambry Variant Classification Scheme 2023. Collection method: clinical testing. Allele origin: germline.
Comment: The p.E229V variant (also known as c.686A>T), located in coding exon 6 of the BUB1B gene, results from an A to T substitution at nucleotide position 686. The glutamic acid at codon 229 is replaced by valine, an amino acid with dissimilar properties. This amino acid position is conserved. In addition, this alteration is predicted to be tolerated by in silico analysis. Based on the available evidence, the clinical significance of this variant remains unclear.